The following is an entry in ClinVar:

NM_004859.4(CLTC):c.4827+6G>T

Gene: CLTC (clathrin heavy chain; plus strand). Cytogenetic location: 17q23.1.
Variant type: single nucleotide variant.
Coding change: c.4827+6G>T on transcript NM_004859.4 (MANE Select); 6 bases into the intron after coding-DNA position 4827, G replaced by T.
Molecular consequence: intron variant.
Genome position (GRCh38, 1-based): chr17:59,685,814, G>T. VCF-style: chr17-59685814-G-T. GRCh37 (hg19) VCF-style: chr17-57763175-G-T.
Other names: c.4839+6G>T (NM_001288653.2).
Identifiers: ClinVar variation 2084843 (VCV002084843.4), dbSNP rs1303159593, ClinGen allele CA2576339419.
Genomic context (GRCh38, chr17:59,685,814, plus strand): 5'-CATGGATTTTGCCATGCCCTATTTCATCCAGGTCATGAAGGAGTACTTGACAAAGGTAAT[G>T]ACTCTTCTAAGTGTATTCAGAACTAGTTTCCTTGCATGTAAAATTCTACATGCACATTAA-3'

ClinVar aggregate classification (germline): Uncertain significance (1 of 4 stars; one submission).

gnomAD v4.1: 1 of 1,607,046 alleles (0.000062%); highest among the groups gnomAD compares: South Asian, 0.0011%; no homozygotes.

Submission:

Labcorp Genetics (formerly Invitae), Labcorp
Classification: Uncertain significance. Last evaluated: 2024-04-12. Review status: criteria provided, single submitter. Criteria: Invitae Variant Classification Sherloc (09022015). Collection method: clinical testing. Allele origin: germline.
Comment: This sequence change falls in intron 30 of the CLTC gene. It does not directly change the encoded amino acid sequence of the CLTC protein. It affects a nucleotide within the consensus splice site. This variant is not present in population databases (gnomAD no frequency). This variant has not been reported in the literature in individuals affected with CLTC-related conditions. ClinVar contains an entry for this variant (Variation ID: 2084843). Variants that disrupt the consensus splice site are a relatively common cause of aberrant splicing (PMID: 17576681, 9536098). Algorithms developed to predict the effect of sequence changes on RNA splicing suggest that this variant is not likely to affect RNA splicing. In summary, the available evidence is currently insufficient to determine the role of this variant in disease. Therefore, it has been classified as a Variant of Uncertain Significance.

Literature cited by the submitters: PubMed 17576681; PubMed 9536098.